The following is an entry in ClinVar:

NM_032243.6(TXNDC2):c.909G>A (p.Lys303=)

Gene: TXNDC2 (thioredoxin domain containing 2; plus strand). Cytogenetic location: 18p11.22.
Variant type: single nucleotide variant.
Coding change: c.909G>A on transcript NM_032243.6 (MANE Select); coding-DNA position 909, G replaced by A.
Protein change: p.Lys303=; no amino-acid change (lysine 303 retained).
Molecular consequence: synonymous variant.
Genome position (GRCh38, 1-based): chr18:9,887,589, G>A. VCF-style: chr18-9887589-G-A. GRCh37 (hg19) VCF-style: chr18-9887586-G-A.
Other names: c.1110G>A, p.Lys370= (NM_001098529.2).
Identifiers: ClinVar variation 4820780 (VCV004820780.4).
Genomic context (GRCh38, chr18:9,887,589, plus strand): 5'-AACCATCCAGCCCAAGAAGGGTGACATCCCCAAGTCCCCAGAAGAAGCCATCCAGCCCAA[G>A]GAGGGTGACATTCCCAAGTCTCCAAAACAAGCCATCCAGCCCAAGGAGGGTGACATTCCC-3'
Protein context (NP_115619.4, residues 293-313): PKSPEEAIQP[Lys303=]EGDIPKSPKQ

ClinVar aggregate classification (germline): Likely benign (1 of 4 stars; one submission).

Submission:

CeGaT Center for Human Genetics Tuebingen
Classification: Likely benign. Last evaluated: 2026-03-01. Review status: criteria provided, single submitter. Criteria: CeGaT Center For Human Genetics Tuebingen Variant Classification Criteria Version 2. Collection method: clinical testing. Allele origin: germline. Affected: yes. Observed: 1 variant allele.
Comment: TXNDC2: BP4, BP7, BS2